The following is an entry in ClinVar:

ClinVar aggregate classification (germline): Uncertain significance. Review status: criteria provided, multiple submitters, no conflicts (2 of 4 stars). 2 submissions from 2 submitters: Uncertain significance (2). Last evaluated 2026-01-26.

Allele frequency attached by ClinVar (database versions not stated): gnomAD 0.00001; gnomAD exomes 0.00001; TOPMed 0.00003; ExAC 0.00007.
gnomAD v4.1: 20 of 1,613,446 alleles (0.0012%); highest among the groups gnomAD compares: East Asian, 0.031%; no homozygotes.

Submissions (2):

Labcorp Genetics (formerly Invitae), Labcorp
Classification: Uncertain significance. Last evaluated: 2026-01-26. Review status: criteria provided, single submitter. Criteria: Invitae Variant Classification Sherloc (09022015). Collection method: clinical testing. Allele origin: germline.
Comment: This sequence change replaces threonine, which is neutral and polar, with isoleucine, which is neutral and non-polar, at codon 80 of the LRRC8A protein (p.Thr80Ile). This variant is present in population databases (rs367907856, gnomAD 0.08%), and has an allele count higher than expected for a pathogenic variant. This variant has not been reported in the literature in individuals affected with LRRC8A-related conditions. ClinVar contains an entry for this variant (Variation ID: 1984881). An algorithm developed to predict the effect of missense changes on protein structure and function (PolyPhen-2) suggests that this variant is likely to be tolerated. In summary, the available evidence is currently insufficient to determine the role of this variant in disease. Therefore, it has been classified as a Variant of Uncertain Significance.

Ambry Genetics
Classification: Uncertain significance. Last evaluated: 2023-02-07. Review status: criteria provided, single submitter. Criteria: Ambry Variant Classification Scheme 2023. Collection method: clinical testing. Allele origin: germline.

NM_019594.4(LRRC8A):c.239C>T (p.Thr80Ile)

Gene: LRRC8A (leucine rich repeat containing 8 VRAC subunit A; plus strand). Cytogenetic location: 9q34.11.
Variant type: single nucleotide variant.
Coding change: c.239C>T on transcript NM_019594.4 (MANE Select); coding-DNA position 239, C replaced by T.
Protein change: p.Thr80Ile; replaces threonine 80 with isoleucine.
Molecular consequence: missense variant.
Genome position (GRCh38, 1-based): chr9:128,907,403, C>T. VCF-style: chr9-128907403-C-T. GRCh37 (hg19) VCF-style: chr9-131669682-C-T.
Other names: c.239C>T (NM_001127244.1); c.239C>T, p.Thr80Ile (NM_001127244.2, NM_001127245.2); short protein forms T80I.
Identifiers: ClinVar variation 1984881 (VCV001984881.6), dbSNP rs367907856, ClinGen allele CA5270686.
Genomic context (GRCh38, chr9:128,907,403, plus strand): 5'-TCACCAAGGACTCCTGCAATGATTCGTTCCGGGGCTGGGCAGCCCCTGGCCCGGAGCCCA[C>T]CTACCCCAACTCCACCATTCTGCCGACCCCTGACACGGGCCCCACAGGCATCAAGTATGA-3'
Protein context (NP_062540.2, residues 70-90): RGWAAPGPEP[Thr80Ile]YPNSTILPTP